The following is an entry in ClinVar:

ClinVar aggregate classification (germline): Likely benign (1 of 4 stars; one submission).

Conditions:
MEN1-related disorder. Also called: MEN1-related condition.

Submission:

PreventionGenetics, part of Exact Sciences
Classification: Likely benign for MEN1-related condition. Last evaluated: 2026-01-09. Review status: criteria provided, single submitter. Criteria: ACMG Guidelines, 2015. Collection method: clinical testing. Allele origin: germline.
Comment: This variant is classified as likely benign based on ACMG/AMP sequence variant interpretation guidelines (Richards et al. 2015 PMID: 25741868, with internal and published modifications).

NM_001370259.2(MEN1):c.1011C>T (p.Ala337=)

Gene: MEN1 (menin 1; minus strand). Cytogenetic location: 11q13.1.
Variant type: single nucleotide variant.
Coding change: c.1011C>T on transcript NM_001370259.2 (MANE Select); coding-DNA position 1011, C replaced by T.
Protein change: p.Ala337=; no amino-acid change (alanine 337 retained).
Molecular consequence: synonymous variant.
Genome position (GRCh38, 1-based): chr11:64,806,270, G>A on the plus strand (C>T on the coding strand, the complement: MEN1 is on the minus strand). VCF-style: chr11-64806270-G-A. GRCh37 (hg19) VCF-style: chr11-64573742-G-A.
Other names: c.1026C>T, p.Ala342= (NM_000244.4, NM_130800.3, NM_130801.3 and 3 more transcripts); c.1011C>T, p.Ala337= (NM_001370251.2, NM_001370260.2, NM_001370261.2 and 1 more transcripts); c.906C>T, p.Ala302= (NM_001370262.2, NM_001370263.2); c.1026C>T (NM_000244.3).
Identifiers: ClinVar variation 4980576 (VCV004980576.1).